The following is an entry in ClinVar:

ClinVar aggregate classification (germline): Uncertain significance. Review status: criteria provided, multiple submitters, no conflicts (2 of 4 stars). 6 submissions from 6 submitters: Uncertain significance (4). 2 of the submissions do not count toward it. Last evaluated 2024-04-11.

Conditions:
Fraser syndrome 2 (FRASRS2). Identifiers: MedGen C4540036, MONDO:0054738, OMIM 617666.
Inborn genetic diseases. Identifiers: MedGen C0950123, MeSH D030342.
Isolated cryptophthalmia. Also called: Cryptophthalmos, unilateral or bilateral, isolated; ANKYLOBLEPHARON, SIMPLE. Identifiers: Orphanet 91396, MedGen C1852453, MONDO:0007410, OMIM 123570.

Allele frequency attached by ClinVar (database versions not stated): gnomAD below 0.00001 and 0.00001; TOPMed 0.00001; gnomAD exomes 0.00010 and 0.00018; ExAC 0.00022.
gnomAD v4.1: 147 of 1,614,010 alleles (0.0091%); highest among the groups gnomAD compares: South Asian, 0.13%; 1 homozygote.

Submissions (6):

Fulgent Genetics
Classification: Uncertain significance for Isolated cryptophthalmia; Fraser syndrome 2. Last evaluated: 2024-04-11. Review status: criteria provided, single submitter. Criteria: ACMG Guidelines, 2015. Collection method: clinical testing. Allele origin: germline.

Ambry Genetics
Classification: Uncertain significance for Inborn genetic diseases. Last evaluated: 2023-02-06. Review status: criteria provided, single submitter. Criteria: Ambry Variant Classification Scheme 2023. Collection method: clinical testing. Allele origin: germline.

GeneDx
Classification: Uncertain significance. Last evaluated: 2019-10-14. Review status: criteria provided, single submitter. Criteria: GeneDx Variant Classification Process June 2021. Collection method: clinical testing. Allele origin: germline. Affected: yes.
Comment: In silico analysis, which includes protein predictors and evolutionary conservation, supports a deleterious effect; Has not been previously published as pathogenic or benign to our knowledge

Illumina Laboratory Services, Illumina
Classification: Uncertain significance for Fraser syndrome 2. Last evaluated: 2018-01-13. Review status: criteria provided, single submitter. Criteria: ICSL Variant Classification Criteria 13 December 2019. Collection method: clinical testing. Allele origin: germline.

Clinical Genetics DNA and cytogenetics Diagnostics Lab, Erasmus MC, Erasmus Medical Center
Classification: Uncertain significance. Review status: no assertion criteria provided. Collection method: clinical testing. Allele origin: germline. Affected: yes. Study: VKGL Data-share Consensus. Not counted in ClinVar's aggregate classification.

Laboratory of Diagnostic Genome Analysis, Leiden University Medical Center (LUMC)
Classification: Uncertain significance. Review status: no assertion criteria provided. Collection method: clinical testing. Allele origin: germline. Affected: yes. Study: VKGL Data-share Consensus. Not counted in ClinVar's aggregate classification.

NM_207361.6(FREM2):c.5434G>A (p.Ala1812Thr)

Gene: FREM2 (FRAS1 related extracellular matrix 2; plus strand). Cytogenetic location: 13q13.3.
Variant type: single nucleotide variant.
Coding change: c.5434G>A on transcript NM_207361.6 (MANE Select); coding-DNA position 5434, G replaced by A.
Protein change: p.Ala1812Thr; replaces alanine 1812 with threonine.
Molecular consequence: missense variant.
Genome position (GRCh38, 1-based): chr13:38,769,601, G>A. VCF-style: chr13-38769601-G-A. GRCh37 (hg19) VCF-style: chr13-39343738-G-A.
Other names: short protein forms A1812T.
Identifiers: ClinVar variation 311992 (VCV000311992.11), dbSNP rs749830746, ClinGen allele CA6955253.
Genomic context (GRCh38, chr13:38,769,601, plus strand): 5'-AATGAAACTAAGAAAATGATATTATGTTTTTGTGAAGGTATTGGCACAAGAGACAGAACT[G>A]CAGAAAAAGACAAAGACTTCAAGGGCAAAGCACAGAAACAAGTGCAGTTCAACCCAGGCC-3'
Protein context (NP_997244.4, residues 1802-1822): FISIGTRDRT[Ala1812Thr]EKDKDFKGKA